The following is an entry in ClinVar:

NM_000441.2(SLC26A4):c.1114G>A (p.Ala372Thr)

Gene: SLC26A4 (solute carrier family 26 member 4; plus strand). Cytogenetic location: 7q22.3.
Variant type: single nucleotide variant.
Coding change: c.1114G>A on transcript NM_000441.2 (MANE Select); coding-DNA position 1114, G replaced by A.
Protein change: p.Ala372Thr; replaces alanine 372 with threonine.
Molecular consequence: missense variant.
Genome position (GRCh38, 1-based): chr7:107,689,165, G>A. VCF-style: chr7-107689165-G-A. GRCh37 (hg19) VCF-style: chr7-107329610-G-A.
Other names: short protein forms A372T.
Identifiers: ClinVar variation 3655441 (VCV003655441.2).

ClinVar aggregate classification (germline): Likely pathogenic (1 of 4 stars; one submission).

Submission:

Labcorp Genetics (formerly Invitae), Labcorp
Classification: Likely pathogenic. Last evaluated: 2024-02-22. Review status: criteria provided, single submitter. Criteria: Invitae Variant Classification Sherloc (09022015). Collection method: clinical testing. Allele origin: germline.
Comment: This sequence change replaces alanine, which is neutral and non-polar, with threonine, which is neutral and polar, at codon 372 of the SLC26A4 protein (p.Ala372Thr). This variant is not present in population databases (gnomAD no frequency). This variant has not been reported in the literature in individuals affected with SLC26A4-related conditions. Advanced modeling of protein sequence and biophysical properties (such as structural, functional, and spatial information, amino acid conservation, physicochemical variation, residue mobility, and thermodynamic stability) performed at Invitae indicates that this missense variant is expected to disrupt SLC26A4 protein function with a positive predictive value of 95%. This variant disrupts the p.Ala372 amino acid residue in SLC26A4. Other variant(s) that disrupt this residue have been determined to be pathogenic (PMID: 10190331, 15905611, 20826203, 24599119). This suggests that this residue is clinically significant, and that variants that disrupt this residue are likely to be disease-causing. In summary, the currently available evidence indicates that the variant is pathogenic, but additional data are needed to prove that conclusively. Therefore, this variant has been classified as Likely Pathogenic.

Literature cited by the submitters: PubMed 10190331; PubMed 15905611; PubMed 20826203; PubMed 24599119.